The following is an entry in ClinVar:

ClinVar aggregate classification (germline): Uncertain significance (1 of 4 stars; one submission).

Submission:

Labcorp Genetics (formerly Invitae), Labcorp
Classification: Uncertain significance. Last evaluated: 2024-10-15. Review status: criteria provided, single submitter. Criteria: Invitae Variant Classification Sherloc (09022015). Collection method: clinical testing. Allele origin: germline.
Comment: This variant, c.2593_2604del, results in the deletion of 4 amino acid(s) of the SLC24A1 protein (p.Glu865_Glu868del), but otherwise preserves the integrity of the reading frame. This variant is not present in population databases (gnomAD no frequency). This variant has not been reported in the literature in individuals affected with SLC24A1-related conditions. Experimental studies and prediction algorithms are not available or were not evaluated, and the functional significance of this variant is currently unknown. In summary, the available evidence is currently insufficient to determine the role of this variant in disease. Therefore, it has been classified as a Variant of Uncertain Significance.

NM_004727.3(SLC24A1):c.2581GAGGAGGAAGAG[1] (p.Glu865_Glu868del)

Gene: SLC24A1 (solute carrier family 24 member 1; plus strand). Cytogenetic location: 15q22.31.
Variant type: Microsatellite.
Coding change: c.2581GAGGAGGAAGAG[1] on transcript NM_004727.3 (MANE Select); one copy of the 12-base unit GAGGAGGAAGAG starting at c.2581; the reference has two copies in a row; one copy, 12 bases deleted.
Protein change: p.Glu865_Glu868del.
Molecular consequence: inframe deletion.
Genome position (GRCh38, 1-based): chr15:65,650,742-65,650,753, GAGGAGGAAGAG deleted; deleting any 12 consecutive bases within chr15:65,650,730-65,650,753 gives the same sequence; the position shown is the placement nearest the transcript's 3' end. VCF-style (leftmost placement, unchanged base first): chr15-65650729-AGAGGAGGAAGAG-A. GRCh37 (hg19) VCF-style: chr15-65943067-AGAGGAGGAAGAG-A.
Other names: c.562GAGGAGGAAGAG[1], p.Glu192_Glu195del (NM_001254740.2); c.2581GAGGAGGAAGAG[1], p.Glu865_Glu868del (NM_001301031.1); c.2527GAGGAGGAAGAG[1], p.Glu847_Glu850del (NM_001301032.1, NM_001301033.2).
Identifiers: ClinVar variation 1448109 (VCV001448109.7), dbSNP rs952511215, ClinGen allele CA271571352.